The following is an entry in ClinVar:

NM_006567.5(FARS2):c.424G>A (p.Asp142Asn)

Genes: FARS2 (phenylalanyl-tRNA synthetase 2, mitochondrial; plus strand), LOC126859565 (CDK7 strongly-dependent group 2 enhancer GRCh37_chr6:5368745-5369944; plus strand). Cytogenetic location: 6p25.1.
Variant type: single nucleotide variant.
Coding change: c.424G>A on transcript NM_006567.5 (MANE Select); coding-DNA position 424, G replaced by A.
Protein change: p.Asp142Asn; replaces aspartic acid 142 with asparagine.
Molecular consequence: missense variant. On other transcripts: intron variant (2).
Genome position (GRCh38, 1-based): chr6:5,368,994, G>A. VCF-style: chr6-5368994-G-A. GRCh37 (hg19) VCF-style: chr6-5369227-G-A.
Other names: c.424G>A, p.Asp142Asn (NM_001318872.2, NM_001374875.1, NM_001374876.1 and 5 more transcripts); c.-340-27639G>A (NM_001375260.1); c.-84-35548G>A (NM_001375259.1); short protein forms D142N.
Identifiers: ClinVar variation 1521458 (VCV001521458.6), dbSNP rs145555213, ClinGen allele CA3623644.
Genomic context (GRCh38, chr6:5,368,994, plus strand): 5'-ACCTGGCAGAACTTTGACAGCCTGCTCATCCCAGCTGATCACCCCAGCAGGAAGAAGGGG[G>A]ACAACTATTACCTGAATCGGACTCACATGCTGAGAGCGCACACGTCTGCACACCAGTGGG-3'
Protein context (NP_006558.1, residues 132-152): PADHPSRKKG[Asp142Asn]NYYLNRTHML

ClinVar aggregate classification (germline): Likely pathogenic (1 of 4 stars; one submission).

Conditions:
Combined oxidative phosphorylation defect type 14. Also called: Combined oxidative phosphorylation deficiency 14. Identifiers: Orphanet 319519, MedGen C4755312, MONDO:0013986, OMIM 614946.

Allele frequency attached by ClinVar (database versions not stated): ExAC 0.00001; ESP Exome Variant Server 0.00008.
gnomAD v4.1: 11 of 1,614,168 alleles (0.00068%); highest among the groups gnomAD compares: Non-Finnish European, 0.00093%; no homozygotes.

Submission:

Labcorp Genetics (formerly Invitae), Labcorp
Classification: Likely pathogenic for Combined oxidative phosphorylation defect type 14. Last evaluated: 2021-08-28. Review status: criteria provided, single submitter. Criteria: Invitae Variant Classification Sherloc (09022015). Collection method: clinical testing. Allele origin: germline.
Comment: In summary, the currently available evidence indicates that the variant is pathogenic, but additional data are needed to prove that conclusively. Therefore, this variant has been classified as Likely Pathogenic. This variant disrupts the p.Asp142 amino acid residue in FARS2. Other variant(s) that disrupt this residue have been determined to be pathogenic (PMID: 26553276, 31665838). This suggests that this residue is clinically significant, and that variants that disrupt this residue are likely to be disease-causing. Advanced modeling of protein sequence and biophysical properties (such as structural, functional, and spatial information, amino acid conservation, physicochemical variation, residue mobility, and thermodynamic stability) performed at Invitae indicates that this missense variant is expected to disrupt FARS2 protein function. This variant has not been reported in the literature in individuals affected with FARS2-related conditions. This variant is present in population databases (rs145555213, ExAC 0.002%). This sequence change replaces aspartic acid with asparagine at codon 142 of the FARS2 protein (p.Asp142Asn). The aspartic acid residue is highly conserved and there is a small physicochemical difference between aspartic acid and asparagine.

Literature cited by the submitters: PubMed 26553276; PubMed 31665838.